The following is an entry in ClinVar:

NM_001040108.2(MLH3):c.244C>T (p.Gln82Ter)

Gene: MLH3 (mutL homolog 3; minus strand). Cytogenetic location: 14q24.3.
Variant type: single nucleotide variant.
Coding change: c.244C>T on transcript NM_001040108.2 (MANE Select); coding-DNA position 244, C replaced by T.
Protein change: p.Gln82Ter; replaces glutamine 82 with a stop codon.
Molecular consequence: nonsense.
Genome position (GRCh38, 1-based): chr14:75,049,412, G>A on the plus strand (C>T on the coding strand, the complement: MLH3 is on the minus strand). VCF-style: chr14-75049412-G-A. GRCh37 (hg19) VCF-style: chr14-75516115-G-A.
Other names: c.244C>T, p.Gln82Ter (NM_014381.3); short protein forms Q82*.
Identifiers: ClinVar variation 1006490 (VCV001006490.8), dbSNP rs372763743, ClinGen allele CA263653996.

ClinVar aggregate classification (germline): Conflicting classifications of pathogenicity. Review status: criteria provided, conflicting classifications (1 of 4 stars). 3 submissions from 3 submitters: Pathogenic (1); Uncertain significance (2). Last evaluated 2026-01-14.

Conditions:
Colorectal cancer. Also called: Colorectal cancer, somatic; Malignant Colorectal Neoplasm. Identifiers: MedGen C0346629, MONDO:0005575, OMIM 114500.
Endometrial carcinoma. Also called: Endometrial carcinoma, somatic. Identifiers: MedGen C0476089, MONDO:0002447, OMIM 608089, HP:0012114.
Colorectal cancer, hereditary nonpolyposis, type 7. Identifiers: Orphanet 144, MedGen C1858380, MONDO:0013725, OMIM 614385.

Allele frequency attached by ClinVar (database versions not stated): TOPMed 0.00001; gnomAD 0.00001; ESP Exome Variant Server 0.00008; gnomAD exomes below 0.00001.
gnomAD v4.1: 2 of 1,613,912 alleles (0.00012%); highest among the groups gnomAD compares: South Asian, 0.0011%; no homozygotes.

Submissions (3):

Myriad Genetics, Inc.
Classification: Pathogenic for Colorectal cancer, hereditary nonpolyposis, type 7. Last evaluated: 2026-01-14. Review status: criteria provided, single submitter. Criteria: Myriad Autosomal Dominant, Autosomal Recessive and X-Linked Classification Criteria (2023). Collection method: clinical testing. Allele origin: unknown.
Comment: This variant is considered pathogenic. This variant creates a termination codon and is predicted to result in premature protein truncation.

Fulgent Genetics
Classification: Uncertain significance for Colorectal cancer; Endometrial carcinoma; Colorectal cancer, hereditary nonpolyposis, type 7. Last evaluated: 2024-04-24. Review status: criteria provided, single submitter. Criteria: ACMG Guidelines, 2015. Collection method: clinical testing. Allele origin: germline.

Labcorp Genetics (formerly Invitae), Labcorp
Classification: Uncertain significance for Colorectal cancer, hereditary nonpolyposis, type 7. Last evaluated: 2020-03-04. Review status: criteria provided, single submitter. Criteria: Invitae Variant Classification Sherloc (09022015). Collection method: clinical testing. Allele origin: germline.
Comment: This variant is not present in population databases (ExAC no frequency). This sequence change creates a premature translational stop signal (p.Gln82*) in the MLH3 gene. It is expected to result in an absent or disrupted protein product. This variant has not been reported in the literature in individuals with MLH3-related conditions. The current clinical and genetic evidence is not sufficient to establish whether loss-of-function variants in MLH3 cause disease. In summary, the available evidence is currently insufficient to determine the role of this variant in disease. Therefore, it has been classified as a Variant of Uncertain Significance.